The following is an entry in ClinVar:

NM_000528.4(MAN2B1):c.1514A>G (p.Gln505Arg)

Gene: MAN2B1 (mannosidase alpha class 2B member 1; minus strand). Cytogenetic location: 19p13.13.
Variant type: single nucleotide variant.
Coding change: c.1514A>G on transcript NM_000528.4 (MANE Select); coding-DNA position 1514, A replaced by G.
Protein change: p.Gln505Arg; replaces glutamine 505 with arginine.
Molecular consequence: missense variant.
Genome position (GRCh38, 1-based): chr19:12,656,962, T>C on the plus strand (A>G on the coding strand, the complement: MAN2B1 is on the minus strand). VCF-style: chr19-12656962-T-C. GRCh37 (hg19) VCF-style: chr19-12767776-T-C.
Other names: c.1511A>G, p.Gln504Arg (NM_001173498.2); short protein forms Q504R, Q505R.
Identifiers: ClinVar variation 1491091 (VCV001491091.8), dbSNP rs2023977189, ClinGen allele CA404246136.

ClinVar aggregate classification (germline): Uncertain significance (1 of 4 stars; one submission).

Conditions:
Deficiency of alpha-mannosidase (MANSA). Also called: Alpha-Mannosidosis; LYSOSOMAL ALPHA-D-MANNOSIDASE DEFICIENCY; Mannosidosis, alpha-, types I and II. Identifiers: Orphanet 61, MedGen C0024748, MONDO:0009561, OMIM 248500.

Allele frequency attached by ClinVar (database versions not stated): gnomAD 0.00001.
gnomAD v4.1: 1 of 1,613,358 alleles (0.000062%); highest among the groups gnomAD compares: Non-Finnish European, 0.000085%; no homozygotes.

Submission:

Labcorp Genetics (formerly Invitae), Labcorp
Classification: Uncertain significance for Deficiency of alpha-mannosidase. Last evaluated: 2022-06-05. Review status: criteria provided, single submitter. Criteria: Invitae Variant Classification Sherloc (09022015). Collection method: clinical testing. Allele origin: germline.
Comment: This sequence change replaces glutamine, which is neutral and polar, with arginine, which is basic and polar, at codon 505 of the MAN2B1 protein (p.Gln505Arg). This variant is not present in population databases (gnomAD no frequency). This variant has not been reported in the literature in individuals affected with MAN2B1-related conditions. ClinVar contains an entry for this variant (Variation ID: 1491091). Algorithms developed to predict the effect of missense changes on protein structure and function are either unavailable or do not agree on the potential impact of this missense change (SIFT: "Deleterious"; PolyPhen-2: "Benign"; Align-GVGD: "Class C0"). In summary, the available evidence is currently insufficient to determine the role of this variant in disease. Therefore, it has been classified as a Variant of Uncertain Significance.